The following is an entry in ClinVar:

ClinVar aggregate classification (germline): Benign. Review status: criteria provided, multiple submitters, no conflicts (2 of 4 stars). 7 submissions from 7 submitters: Benign (7). Last evaluated 2026-02-04.

Conditions:
de Barsy syndrome. Also called: Cutis laxa-corneal clouding-oligophrenia syndrome. Identifiers: Orphanet 2962, MedGen C0268354, MONDO:0017569.
Autosomal dominant spastic paraplegia type 9. Identifiers: MedGen C1832669, MONDO:0015091.
Cutis laxa, autosomal dominant 3 (ADCL3). Identifiers: Orphanet 90348, MedGen C4225268, MONDO:0014706, OMIM 616603.
Hereditary spastic paraplegia. Also called: Familial spastic paraparesis. Identifiers: Orphanet 685, MedGen C0037773, MONDO:0019064. Disease mechanism: loss of function.
ALDH18A1-related de Barsy syndrome. Also called: DE BARSY SYNDROME A; Cutis laxa, autosomal recessive IIIA. Identifiers: Orphanet 2962, Orphanet 35664, MedGen C5234852, MONDO:0009053, OMIM 219150.

Allele frequency attached by ClinVar (database versions not stated): ExAC 0.02195; gnomAD exomes 0.02310 and 0.02463; 1000 Genomes Project 0.02496; 1000 Genomes Project 30x 0.02623; gnomAD 0.02895 and 0.02975; ESP Exome Variant Server 0.03037; TOPMed 0.03107.
gnomAD v4.1: 40,705 of 1,614,154 alleles (2.5%); highest among the groups gnomAD compares: African/African-American, 4.1%; 550 homozygotes.

Submissions (7):

Labcorp Genetics (formerly Invitae), Labcorp
Classification: Benign for Autosomal dominant spastic paraplegia type 9; de Barsy syndrome; Cutis laxa, autosomal dominant 3. Last evaluated: 2026-02-04. Review status: criteria provided, single submitter. Criteria: Invitae Variant Classification Sherloc (09022015). Collection method: clinical testing. Allele origin: germline.

Mayo Clinic Laboratories, Mayo Clinic
Classification: Benign. Last evaluated: 2025-01-07. Review status: criteria provided, single submitter. Criteria: ACMG Guidelines, 2015. Collection method: clinical testing. Allele origin: germline. Observed: 57 variant alleles.
Comment: BS1, BS2, BP4, BP7

Blueprint Genetics
Classification: Benign. Last evaluated: 2024-11-27. Review status: criteria provided, single submitter. Criteria: ACMG Guidelines, 2015. Collection method: clinical testing. Allele origin: germline.

Genome Diagnostics Laboratory, The Hospital for Sick Children
Classification: Benign for Hereditary spastic paraplegia. Last evaluated: 2021-10-30. Review status: criteria provided, single submitter. Criteria: ACMG Guidelines, 2015. Collection method: clinical testing. Allele origin: germline. Affected: yes.

Illumina Laboratory Services, Illumina
Classification: Benign for ALDH18A1-related de Barsy syndrome. Last evaluated: 2018-01-12. Review status: criteria provided, single submitter. Criteria: ICSL Variant Classification Criteria 13 December 2019. Collection method: clinical testing. Allele origin: germline.
Comment: This variant was observed in the ICSL laboratory as part of a predisposition screen in an ostensibly healthy population. It had not been previously curated by ICSL or reported in the Human Gene Mutation Database (HGMD: prior to June 1st, 2018), and was therefore a candidate for classification through an automated scoring system. Utilizing variant allele frequency, disease prevalence and penetrance estimates, and inheritance mode, an automated score was calculated to assess if this variant is too frequent to cause the disease. Based on the score and internal cut-off values, a variant classified as benign is not then subjected to further curation. The score for this variant resulted in a classification of benign for this disease.

GeneDx
Classification: Benign. Last evaluated: 2016-10-05. Review status: criteria provided, single submitter. Criteria: GeneDx Variant Classification (06012015). Collection method: clinical testing. Allele origin: germline. Affected: yes.
Comment: This variant is considered likely benign or benign based on one or more of the following criteria: it is a conservative change, it occurs at a poorly conserved position in the protein, it is predicted to be benign by multiple in silico algorithms, and/or has population frequency not consistent with disease.

Breakthrough Genomics
Classification: Benign. Review status: criteria provided, single submitter. Criteria: ACMG Guidelines, 2015. Collection method: not provided. Allele origin: germline. Inheritance: Autosomal recessive inheritance. Affected: yes.

NM_002860.4(ALDH18A1):c.1977C>T (p.Ser659=)

Gene: ALDH18A1 (aldehyde dehydrogenase 18 family member A1; minus strand). Cytogenetic location: 10q24.1.
Variant type: single nucleotide variant.
Coding change: c.1977C>T on transcript NM_002860.4 (MANE Select); coding-DNA position 1977, C replaced by T.
Protein change: p.Ser659=; no amino-acid change (serine 659 retained).
Molecular consequence: synonymous variant.
Genome position (GRCh38, 1-based): chr10:95,611,389, G>A on the plus strand (C>T on the coding strand, the complement: ALDH18A1 is on the minus strand). VCF-style: chr10-95611389-G-A. GRCh37 (hg19) VCF-style: chr10-97371146-G-A.
Other names: p.Ser659=; c.1971C>T, p.Ser657= (NM_001017423.2, NM_001323415.2); c.1644C>T, p.Ser548= (NM_001323412.2, NM_001323416.2); c.1977C>T, p.Ser659= (NM_001323413.2, NM_001323414.2); c.1872C>T, p.Ser624= (NM_001323417.2); c.1638C>T, p.Ser546= (NM_001323418.2); c.1341C>T, p.Ser447= (NM_001323419.2).
Identifiers: ClinVar variation 301761 (VCV000301761.21), dbSNP rs1804934, ClinGen allele CA5620174.